The following is an entry in ClinVar:

ClinVar aggregate classification (germline): Likely benign (0 of 4 stars; one submission).

Conditions:
MYH14-related disorder. Also called: MYH14-related condition.

gnomAD v4.1: 1 of 1,564,880 alleles (0.000064%); highest among the groups gnomAD compares: Admixed American, 0.0019%; no homozygotes.

Submission:

PreventionGenetics, part of Exact Sciences
Classification: Likely benign for MYH14-related condition. Last evaluated: 2019-06-12. Review status: no assertion criteria provided. Collection method: clinical testing. Allele origin: germline.
Comment: This variant is classified as likely benign based on ACMG/AMP sequence variant interpretation guidelines (Richards et al. 2015 PMID: 25741868, with internal and published modifications).

NM_001145809.2(MYH14):c.2901G>T (p.Thr967=)

Gene: MYH14 (myosin heavy chain 14; plus strand). Cytogenetic location: 19q13.33.
Variant type: single nucleotide variant.
Coding change: c.2901G>T on transcript NM_001145809.2 (MANE Select); coding-DNA position 2901, G replaced by T.
Protein change: p.Thr967=; no amino-acid change (threonine 967 retained).
Molecular consequence: synonymous variant.
Genome position (GRCh38, 1-based): chr19:50,268,235, G>T. VCF-style: chr19-50268235-G-T. GRCh37 (hg19) VCF-style: chr19-50771492-G-T.
Other names: c.2802G>T, p.Thr934= (NM_001077186.2); c.2778G>T, p.Thr926= (NM_024729.4).
Identifiers: ClinVar variation 3352332 (VCV003352332.1).